The following is an entry in ClinVar:

NM_001110556.2(FLNA):c.2573C>T (p.Pro858Leu)

Gene: FLNA (filamin A; minus strand). Cytogenetic location: Xq28.
Variant type: single nucleotide variant.
Coding change: c.2573C>T on transcript NM_001110556.2 (MANE Select); coding-DNA position 2573, C replaced by T.
Protein change: p.Pro858Leu; replaces proline 858 with leucine.
Molecular consequence: missense variant.
Genome position (GRCh38, 1-based): chrX:154,362,325, G>A on the plus strand (C>T on the coding strand, the complement: FLNA is on the minus strand). VCF-style: chrX-154362325-G-A. GRCh37 (hg19) VCF-style: chrX-153590693-G-A.
Other names: c.2573C>T, p.Pro858Leu (NM_001456.4); c.2573C>T (NM_001456.3); short protein forms P858L.
Identifiers: ClinVar variation 2934636 (VCV002934636.4), dbSNP rs2522748059, ClinGen allele CA415235442.

ClinVar aggregate classification (germline): Uncertain significance. Review status: criteria provided, multiple submitters, no conflicts (2 of 4 stars). 2 submissions from 2 submitters: Uncertain significance (2). Last evaluated 2025-08-07.

Conditions:
Oto-palato-digital syndrome, type II (OPD2). Also called: FACIOPALATOOSSEOUS SYNDROME; OPD II SYNDROME; Otopalatodigital Syndrome, Type II; Otopalatodigital Syndrome Type 2 (FLNA-OPD2). Identifiers: Orphanet 669, Orphanet 90652, MedGen C1844696, MONDO:0010571, OMIM 304120.
Heterotopia, periventricular, X-linked dominant (PVNH1). Also called: PERIVENTRICULAR NODULAR HETEROTOPIA 1; X-linked periventricular heterotopia; PERIVENTRICULAR NODULAR HETEROTOPIA 4; HETEROTOPIA, PERIVENTRICULAR, 1. Identifiers: Orphanet 2149, Orphanet 82004, MedGen C1848213, MONDO:0010233, OMIM 300049.
Frontometaphyseal dysplasia (FMD1). Identifiers: Orphanet 1826, MedGen C0265293, MONDO:0015942.
Melnick-Needles syndrome (MNS). Also called: MELNICK-NEEDLES OSTEODYSPLASTY; OSTEODYSPLASTY OF MELNICK AND NEEDLES; Melnick-Needles Syndrome (FLNA-MNS). Identifiers: Orphanet 2484, MedGen C0025237, MONDO:0010650, OMIM 309350.

Allele frequency attached by ClinVar (database versions not stated): gnomAD exomes below 0.00001.
gnomAD v4.1: 3 of 1,211,053 alleles (0.00025%); highest among the groups gnomAD compares: Non-Finnish European, 0.00034%; no homozygotes.

Submissions (2):

GeneDx
Classification: Uncertain significance. Last evaluated: 2025-08-07. Review status: criteria provided, single submitter. Criteria: GeneDx Variant Classification Process June 2021. Collection method: clinical testing. Allele origin: germline. Affected: yes.
Comment: Not observed at significant frequency in large population cohorts (gnomAD); In silico analysis supports that this missense variant has a deleterious effect on protein structure/function; Has not been previously published as pathogenic or benign to our knowledge

Labcorp Genetics (formerly Invitae), Labcorp
Classification: Uncertain significance for Oto-palato-digital syndrome, type II; Heterotopia, periventricular, X-linked dominant; Frontometaphyseal dysplasia; Melnick-Needles syndrome. Last evaluated: 2023-08-18. Review status: criteria provided, single submitter. Criteria: Invitae Variant Classification Sherloc (09022015). Collection method: clinical testing. Allele origin: germline.
Comment: This sequence change replaces proline, which is neutral and non-polar, with leucine, which is neutral and non-polar, at codon 858 of the FLNA protein (p.Pro858Leu). This variant is not present in population databases (gnomAD no frequency). This variant has not been reported in the literature in individuals affected with FLNA-related conditions. Advanced modeling of protein sequence and biophysical properties (such as structural, functional, and spatial information, amino acid conservation, physicochemical variation, residue mobility, and thermodynamic stability) performed at Invitae indicates that this missense variant is not expected to disrupt FLNA protein function. In summary, the available evidence is currently insufficient to determine the role of this variant in disease. Therefore, it has been classified as a Variant of Uncertain Significance.